The following is an entry in ClinVar:

ClinVar aggregate classification (germline): Uncertain significance. Review status: criteria provided, multiple submitters, no conflicts (2 of 4 stars). 2 submissions from 2 submitters: Uncertain significance (2). Last evaluated 2025-08-04.

Conditions:
Hereditary cancer-predisposing syndrome. Also called: Hereditary Cancer Syndrome; Neoplastic Syndromes, Hereditary; Tumor predisposition; Hereditary neoplastic syndrome. Identifiers: Orphanet 140162, MedGen C0027672, MeSH D009386, MONDO:0015356.
BAP1-related tumor predisposition syndrome (TPDS1). Also called: COMMON Syndrome; TUMOR PREDISPOSITION SYNDROME 1; Tumor susceptibility linked to germline BAP1 mutations; BAP1 tumor predisposition syndrome. Identifiers: Orphanet 289539, MedGen C3280492, MONDO:0013692, OMIM 614327.

Submissions (2):

Ambry Genetics
Classification: Uncertain significance for Hereditary cancer-predisposing syndrome. Last evaluated: 2025-08-04. Review status: criteria provided, single submitter. Criteria: Ambry Variant Classification Scheme 2023. Collection method: clinical testing. Allele origin: germline.
Comment: The p.R56H variant (also known as c.167G>A), located in coding exon 4 of the BAP1 gene, results from a G to A substitution at nucleotide position 167. The arginine at codon 56 is replaced by histidine, an amino acid with highly similar properties. This amino acid position is conserved. In addition, the in silico prediction for this alteration is inconclusive. Based on the available evidence, the clinical significance of this variant remains unclear.

Labcorp Genetics (formerly Invitae), Labcorp
Classification: Uncertain significance for BAP1-related tumor predisposition syndrome. Last evaluated: 2022-01-01. Review status: criteria provided, single submitter. Criteria: Invitae Variant Classification Sherloc (09022015). Collection method: clinical testing. Allele origin: germline.
Comment: Algorithms developed to predict the effect of missense changes on protein structure and function are either unavailable or do not agree on the potential impact of this missense change (SIFT: "Deleterious"; PolyPhen-2: "Probably Damaging"; Align-GVGD: "Class C0"). This variant has not been reported in the literature in individuals affected with BAP1-related conditions. This variant is not present in population databases (gnomAD no frequency). This sequence change replaces arginine, which is basic and polar, with histidine, which is basic and polar, at codon 56 of the BAP1 protein (p.Arg56His). In summary, the available evidence is currently insufficient to determine the role of this variant in disease. Therefore, it has been classified as a Variant of Uncertain Significance.

NM_004656.4(BAP1):c.167G>A (p.Arg56His)

Gene: BAP1 (BRCA1 associated deubiquitinase 1; minus strand). Cytogenetic location: 3p21.1.
Variant type: single nucleotide variant.
Coding change: c.167G>A on transcript NM_004656.4 (MANE Select); coding-DNA position 167, G replaced by A.
Protein change: p.Arg56His; replaces arginine 56 with histidine.
Molecular consequence: missense variant.
Genome position (GRCh38, 1-based): chr3:52,408,562, C>T on the plus strand (G>A on the coding strand, the complement: BAP1 is on the minus strand). VCF-style: chr3-52408562-C-T. GRCh37 (hg19) VCF-style: chr3-52442578-C-T.
Other names: c.167G>A, p.Arg56His (NM_001410772.1); short protein forms R56H.
Identifiers: ClinVar variation 1976800 (VCV001976800.6), dbSNP rs1294552464, ClinGen allele CA353113511.
Genomic context (GRCh38, chr3:52,408,562, plus strand): 5'-ATATCATCATCAATCACGGACGTATCATCCACCAAGGTAGAGACCTTTCGCCGGGACCGG[C>T]GCTCTTCGATCCATTTGAACAGGAAGATAAATCCATATACAGGGCTGGGGGAAGTAAGGG-3'
Protein context (NP_004647.1, residues 46-66): FIFLFKWIEE[Arg56His]RSRRKVSTLV